The following is an entry in ClinVar:

NM_004448.4(ERBB2):c.563G>A (p.Arg188His)

Gene: ERBB2 (erb-b2 receptor tyrosine kinase 2; plus strand). Cytogenetic location: 17q12.
Variant type: single nucleotide variant.
Coding change: c.563G>A on transcript NM_004448.4 (MANE Select); coding-DNA position 563, G replaced by A.
Protein change: p.Arg188His; replaces arginine 188 with histidine.
Molecular consequence: missense variant. On other transcripts: non-coding transcript variant (1), intron variant (2).
Genome position (GRCh38, 1-based): chr17:39,709,441, G>A. VCF-style: chr17-39709441-G-A. GRCh37 (hg19) VCF-style: chr17-37865694-G-A.
Other names: c.473G>A, p.Arg158His (NM_001005862.3, NM_001289938.2, NM_001382782.1 and 1 more transcripts); c.518G>A, p.Arg173His (NM_001289936.2); c.563G>A, p.Arg188His (NM_001289937.2, NM_001382784.1, NM_001382785.1 and 17 more transcripts); c.638G>A, p.Arg213His (NM_001382787.1); c.554G>A, p.Arg185His (NM_001382791.1); c.440-417G>A (NM_001382799.1); c.74-2487G>A (NM_001382804.1); short protein forms R158H, R173H, R185H, R188H, R213H.
Identifiers: ClinVar variation 1319105 (VCV001319105.10), dbSNP rs763371007, ClinGen allele CA8533650.

ClinVar aggregate classification (germline): Uncertain significance. Review status: criteria provided, multiple submitters, no conflicts (2 of 4 stars). 2 submissions from 2 submitters: Uncertain significance (2). Last evaluated 2026-01-11.

Allele frequency attached by ClinVar (database versions not stated): ExAC 0.00002; gnomAD 0.00004 and 0.00005; gnomAD exomes 0.00004 and 0.00007; TOPMed 0.00005.

Submissions (2):

Labcorp Genetics (formerly Invitae), Labcorp
Classification: Uncertain significance. Last evaluated: 2026-01-11. Review status: criteria provided, single submitter. Criteria: Invitae Variant Classification Sherloc (09022015). Collection method: clinical testing. Allele origin: germline.
Comment: This sequence change replaces arginine, which is basic and polar, with histidine, which is basic and polar, at codon 188 of the ERBB2 protein (p.Arg188His). This variant is present in population databases (rs763371007, gnomAD 0.009%). This missense change has been observed in individual(s) with breast cancer (PMID: 29868112). ClinVar contains an entry for this variant (Variation ID: 1319105). Invitae Evidence Modeling of protein sequence and biophysical properties (such as structural, functional, and spatial information, amino acid conservation, physicochemical variation, residue mobility, and thermodynamic stability) indicates that this missense variant is not expected to disrupt ERBB2 protein function with a negative predictive value of 80%. In summary, the available evidence is currently insufficient to determine the role of this variant in disease. Therefore, it has been classified as a Variant of Uncertain Significance.

Institute for Clinical Genetics, University Hospital TU Dresden, University Hospital TU Dresden
Classification: Uncertain significance. Last evaluated: 2021-11-03. Review status: criteria provided, single submitter. Criteria: ACMG Guidelines, 2015. Collection method: clinical testing. Allele origin: germline.

Literature cited by the submitters: PubMed 29868112 (cited by Labcorp Genetics (formerly Invitae), Labcorp).